The following is an entry in ClinVar:

NM_000553.6(WRN):c.1231G>T (p.Glu411Ter)

Gene: WRN (WRN RecQ like helicase; plus strand). Cytogenetic location: 8p12.
Variant type: single nucleotide variant.
Coding change: c.1231G>T on transcript NM_000553.6 (MANE Select); coding-DNA position 1231, G replaced by T.
Protein change: p.Glu411Ter; replaces glutamic acid 411 with a stop codon.
Molecular consequence: nonsense.
Genome position (GRCh38, 1-based): chr8:31,081,258, G>T. VCF-style: chr8-31081258-G-T. GRCh37 (hg19) VCF-style: chr8-30938774-G-T.
Other names: short protein forms E411*.
Identifiers: ClinVar variation 1453758 (VCV001453758.6), dbSNP rs2130121425, ClinGen allele CA370921378.

ClinVar aggregate classification (germline): Pathogenic (1 of 4 stars; one submission).

Conditions:
Werner syndrome (WRN). Identifiers: Orphanet 902, MedGen C0043119, MONDO:0010196, OMIM 277700.

Submission:

Labcorp Genetics (formerly Invitae), Labcorp
Classification: Pathogenic for Werner syndrome. Last evaluated: 2020-12-22. Review status: criteria provided, single submitter. Criteria: Invitae Variant Classification Sherloc (09022015). Collection method: clinical testing. Allele origin: germline.
Comment: For these reasons, this variant has been classified as Pathogenic. Algorithms developed to predict the effect of sequence changes on RNA splicing suggest that this variant may create or strengthen a splice site, but this prediction has not been confirmed by published transcriptional studies. This variant has not been reported in the literature in individuals with WRN-related conditions. This variant is not present in population databases (ExAC no frequency). This sequence change creates a premature translational stop signal (p.Glu411*) in the WRN gene. It is expected to result in an absent or disrupted protein product. Loss-of-function variants in WRN are known to be pathogenic (PMID: 16673358).

Literature cited by the submitters: PubMed 16673358.